The following is an entry in ClinVar:

ClinVar aggregate classification (germline): Pathogenic. Review status: criteria provided, multiple submitters, no conflicts (2 of 4 stars). 2 submissions from 2 submitters: Pathogenic (2). Last evaluated 2026-02-19.

Conditions:
Vissers-Bodmer syndrome. Identifiers: MedGen C5436647, MONDO:0033618, OMIM 619033.

Submissions (2):

GeneDx
Classification: Pathogenic. Last evaluated: 2026-02-19. Review status: criteria provided, single submitter. Criteria: GeneDx Variant Classification Process June 2021. Collection method: clinical testing. Allele origin: germline.
Comment: Canonical splice site variant predicted to result in an in-frame loss of the adjacent exon in a gene for which loss of function is a known mechanism of disease; Not observed at significant frequency in large population cohorts (gnomAD); This variant is associated with the following publications: (PMID: 39039281)

Institute of Human Genetics Munich, TUM University Hospital
Classification: Pathogenic for Vissers-Bodmer syndrome. Last evaluated: 2021-08-05. Review status: criteria provided, single submitter. Criteria: Classification criteria August 2017. Collection method: clinical testing. Allele origin: de novo. Inheritance: Autosomal dominant inheritance. Affected: yes. Observed: 1 variant allele.

NM_016284.5(CNOT1):c.434-2A>G

Gene: CNOT1 (CCR4-NOT transcription complex subunit 1; minus strand). Cytogenetic location: 16q21.
Variant type: single nucleotide variant.
Coding change: c.434-2A>G on transcript NM_016284.5 (MANE Select); the canonical splice acceptor site of the intron before coding-DNA position 434, A replaced by G.
Molecular consequence: splice acceptor variant.
Genome position (GRCh38, 1-based): chr16:58,586,750, T>C on the plus strand (A>G on the coding strand, the complement: CNOT1 is on the minus strand). VCF-style: chr16-58586750-T-C. GRCh37 (hg19) VCF-style: chr16-58620654-T-C.
Other names: c.434-2A>G (NM_001265612.2, NM_206999.3).
Identifiers: ClinVar variation 1804087 (VCV001804087.2), dbSNP rs2544111453, ClinGen allele CA396156295.